The following is an entry in ClinVar:

NM_001369.3(DNAH5):c.798+2dup

Gene: DNAH5 (dynein axonemal heavy chain 5; minus strand). Cytogenetic location: 5p15.2.
Variant type: Duplication.
Coding change: c.798+2dup on transcript NM_001369.3 (MANE Select); the canonical splice donor site of the intron after coding-DNA position 798, one base duplicated (T; older notation c.798+2dupT).
Molecular consequence: splice donor variant.
Genome position (GRCh38, 1-based): chr5:13,920,478, A duplicated on the plus strand (T on the coding strand, the reverse complement: DNAH5 is on the minus strand). VCF-style (leftmost placement, unchanged base first): chr5-13920477-T-TA. GRCh37 (hg19) VCF-style: chr5-13920586-T-TA.
Identifiers: ClinVar variation 857037 (VCV000857037.8), dbSNP rs1777130854, ClinGen allele CA916082690.

ClinVar aggregate classification (germline): Uncertain significance (1 of 4 stars; one submission).

Conditions:
Primary ciliary dyskinesia. Also called: Ciliary dyskinesia. Identifiers: Orphanet 244, MedGen C0008780, MONDO:0016575, HP:0012265.

Submission:

Labcorp Genetics (formerly Invitae), Labcorp
Classification: Uncertain significance for Primary ciliary dyskinesia. Last evaluated: 2022-06-04. Review status: criteria provided, single submitter. Criteria: Invitae Variant Classification Sherloc (09022015). Collection method: clinical testing. Allele origin: germline.
Comment: In summary, the available evidence is currently insufficient to determine the role of this variant in disease. Therefore, it has been classified as a Variant of Uncertain Significance. Variants that disrupt the consensus splice site are a relatively common cause of aberrant splicing (PMID: 17576681, 9536098). Algorithms developed to predict the effect of sequence changes on RNA splicing suggest that this variant may disrupt the consensus splice site. ClinVar contains an entry for this variant (Variation ID: 857037). This variant has not been reported in the literature in individuals affected with DNAH5-related conditions. This variant is not present in population databases (gnomAD no frequency). This sequence change falls in intron 6 of the DNAH5 gene. It does not directly change the encoded amino acid sequence of the DNAH5 protein. It affects a nucleotide within the consensus splice site.

Literature cited by the submitters: PubMed 17576681; PubMed 9536098.